The following is an entry in ClinVar:

NM_000088.4(COL1A1):c.430C>T (p.Pro144Ser)

Gene: COL1A1 (collagen type I alpha 1 chain; minus strand). Cytogenetic location: 17q21.33.
Variant type: single nucleotide variant.
Coding change: c.430C>T on transcript NM_000088.4 (MANE Select); coding-DNA position 430, C replaced by T.
Protein change: p.Pro144Ser; replaces proline 144 with serine.
Molecular consequence: missense variant.
Genome position (GRCh38, 1-based): chr17:50,199,267, G>A on the plus strand (C>T on the coding strand, the complement: COL1A1 is on the minus strand). VCF-style: chr17-50199267-G-A. GRCh37 (hg19) VCF-style: chr17-48276628-G-A.
Other names: c.430C>T (NM_000088.3); short protein forms P144S.
Identifiers: ClinVar variation 1363389 (VCV001363389.9), dbSNP rs908422422, ClinGen allele CA291550395.

ClinVar aggregate classification (germline): Uncertain significance. Review status: criteria provided, multiple submitters, no conflicts (2 of 4 stars). 2 submissions from 2 submitters: Uncertain significance (2). Last evaluated 2023-09-11.

Conditions:
Cardiovascular phenotype. Identifiers: MedGen CN230736.
Osteogenesis imperfecta type I (OI1). Also called: OI, TYPE I; OSTEOGENESIS IMPERFECTA TARDA; OSTEOGENESIS IMPERFECTA WITH BLUE SCLERAE; Osteogenesis imperfecta type 1; Lobstein disease; Classic Non-deforming Osteogenesis Imperfecta with Blue Sclerae. Identifiers: Orphanet 216796, Orphanet 666, MedGen C0023931, MONDO:0008146, OMIM 166200. Disease mechanism: loss of function.

Allele frequency attached by ClinVar (database versions not stated): gnomAD 0.00001; TOPMed 0.00003.
gnomAD v4.1: 16 of 1,506,340 alleles (0.0011%); highest among the groups gnomAD compares: Admixed American, 0.0063%; no homozygotes.

Submissions (2):

Labcorp Genetics (formerly Invitae), Labcorp
Classification: Uncertain significance for Osteogenesis imperfecta type I. Last evaluated: 2023-09-11. Review status: criteria provided, single submitter. Criteria: Invitae Variant Classification Sherloc (09022015). Collection method: clinical testing. Allele origin: germline.
Comment: In summary, the available evidence is currently insufficient to determine the role of this variant in disease. Therefore, it has been classified as a Variant of Uncertain Significance. Advanced modeling of protein sequence and biophysical properties (such as structural, functional, and spatial information, amino acid conservation, physicochemical variation, residue mobility, and thermodynamic stability) has been performed at Invitae for this missense variant, however the output from this modeling did not meet the statistical confidence thresholds required to predict the impact of this variant on COL1A1 protein function. ClinVar contains an entry for this variant (Variation ID: 1363389). This variant has not been reported in the literature in individuals affected with COL1A1-related conditions. This variant is not present in population databases (gnomAD no frequency). This sequence change replaces proline, which is neutral and non-polar, with serine, which is neutral and polar, at codon 144 of the COL1A1 protein (p.Pro144Ser).

Ambry Genetics
Classification: Uncertain significance for Cardiovascular phenotype. Last evaluated: 2021-10-08. Review status: criteria provided, single submitter. Criteria: Ambry Variant Classification Scheme 2023. Collection method: clinical testing. Allele origin: germline.